The following is an entry in ClinVar:

NM_000257.4(MYH7):c.5294T>A (p.Met1765Lys)

Genes: MYH7 (myosin heavy chain 7; minus strand), LOC126861897 (BRD4-independent group 4 enhancer GRCh37_chr14:23884455-23885654; plus strand). Cytogenetic location: 14q11.2.
Variant type: single nucleotide variant.
Coding change: c.5294T>A on transcript NM_000257.4 (MANE Select); coding-DNA position 5294, T replaced by A.
Protein change: p.Met1765Lys; replaces methionine 1765 with lysine.
Molecular consequence: missense variant.
Genome position (GRCh38, 1-based): chr14:23,415,260, A>T on the plus strand (T>A on the coding strand, the complement: MYH7 is on the minus strand). VCF-style: chr14-23415260-A-T. GRCh37 (hg19) VCF-style: chr14-23884469-A-T.
Other names: short protein forms M1765K.
Identifiers: ClinVar variation 665927 (VCV000665927.12), dbSNP rs1595072009, ClinGen allele CA389035935.
Genomic context (GRCh38, chr14:23,415,260, plus strand): 5'-TTCTTCTTCATGCGCTCCAGGTGGGCGCTGGTGTCCTGCTCCTTCTTCAGCTCCTCTGCC[A>T]TCATGGCGGCCTGTGTGCAGGAGAGAGGTGGCACATGGTCTGGTCAAGTCCTCACACACT-3'
Protein context (NP_000248.2, residues 1755-1775): AKKAITDAAM[Met1765Lys]AEELKKEQDT

ClinVar aggregate classification (germline): Uncertain significance. Review status: criteria provided, multiple submitters, no conflicts (2 of 4 stars). 6 submissions from 6 submitters: Uncertain significance (6). Last evaluated 2025-08-04.

Conditions:
Cardiovascular phenotype. Identifiers: MedGen CN230736.
Cardiomyopathy (CMYO). Also called: Cardiomyopathies. Identifiers: Orphanet 167848, MedGen C0878544, MONDO:0004994, HP:0001638. Inheritance: Various modes of inheritance.
Hypertrophic cardiomyopathy. Also called: HYPERTROPHIC MYOCARDIOPATHY. Identifiers: Orphanet 217569, MedGen C0007194, MeSH D002312, MONDO:0005045, HP:0001639.

Allele frequency attached by ClinVar (database versions not stated): gnomAD exomes below 0.00001.

Submissions (6):

Color Diagnostics, LLC DBA Color Health
Classification: Uncertain significance for Cardiomyopathy. Last evaluated: 2025-08-04. Review status: criteria provided, single submitter. Criteria: ACMG Guidelines, 2015. Collection method: clinical testing. Allele origin: germline.
Comment: This missense variant replaces methionine with lysine at codon 1765 of the MYH7 protein. Computational prediction suggests that this variant may have deleterious impact on protein structure and function. To our knowledge, functional studies have not been reported for this variant. This variant has been reported in an individual affected with hypertrophic cardiomyopathy (PMID: 25351510). This variant has not been identified in the general population by the Genome Aggregation Database (gnomAD). The available evidence is insufficient to determine the role of this variant in disease conclusively. Therefore, this variant is classified as a Variant of Uncertain Significance.

Ambry Genetics
Classification: Uncertain significance for Cardiovascular phenotype. Last evaluated: 2025-04-14. Review status: criteria provided, single submitter. Criteria: Ambry Variant Classification Scheme 2023. Collection method: clinical testing. Allele origin: germline.
Comment: The p.M1765K variant (also known as c.5294T>A), located in coding exon 35 of the MYH7 gene, results from a T to A substitution at nucleotide position 5294. The methionine at codon 1765 is replaced by lysine, an amino acid with similar properties. This alteration has been reported in a hypertrophic cardiomyopathy (HCM) cohort; however, clinical details were limited (Lopes LR et al. Heart, 2015 Feb;101:294-301). This amino acid position is highly conserved in available vertebrate species. In addition, this alteration is predicted to be deleterious by in silico analysis. Based on the available evidence, the clinical significance of this variant remains unclear.

Molecular Diagnostic Laboratory for Inherited Cardiovascular Disease, Montreal Heart Institute
Classification: Uncertain significance for Cardiovascular phenotype. Last evaluated: 2025-04-09. Review status: criteria provided, single submitter. Criteria: ACMG Guidelines, 2015. Collection method: clinical testing. Allele origin: germline. Affected: yes.

Molecular Genetics, Royal Melbourne Hospital
Classification: Uncertain significance for Hypertrophic cardiomyopathy. Last evaluated: 2024-04-11. Review status: criteria provided, single submitter. Criteria: ACMG Guidelines, 2015. Collection method: clinical testing. Allele origin: germline. Inheritance: Autosomal dominant inheritance. Affected: yes.
Comment: This sequence change in MYH7 is predicted to replace methionine with lysine at codon 1765, p.(Met1765Lys). The methionine residue is highly conserved (100 vertebrates, Multiz Alignments), and is located in the myosin tail domain. There is a moderate physicochemical difference between methionine and lysine. The highest population minor allele frequency in the population database gnomAD v4.0 is 0.0005% (6/1,112,012 alleles) in the European (non-Finnish) population, which is consistent with hypertrophic cardiomyopathy (HCM). This variant has been detected in at least two individuals with HCM (PMID: 25351510; Royal Melbourne Hospital). Computational evidence predicts a deleterious effect for the missense substitution (REVEL = 0.913). Based on the classification scheme RMH Modified ACMG/AMP Guidelines v1.6.1, this variant is classified as a VARIANT OF UNCERTAIN SIGNIFICANCE. Following criteria are met: PS4_Supporting, PM2_Supporting, PP3.

All of Us Research Program, National Institutes of Health
Classification: Uncertain significance for Cardiomyopathy. Last evaluated: 2023-03-07. Review status: criteria provided, single submitter. Criteria: ACMG Guidelines, 2015. Collection method: clinical testing. Allele origin: germline. Inheritance: Autosomal dominant inheritance. Observed: 1 variant allele, 1 heterozygote.
Comment: This missense variant replaces methionine with lysine at codon 1765 of the MYH7 protein. Computational prediction suggests that this variant may have deleterious impact on protein structure and function (internally defined REVEL score threshold >= 0.7, PMID: 27666373). To our knowledge, functional studies have not been reported for this variant. This variant has been reported in an individual affected with hypertrophic cardiomyopathy (PMID: 25351510). This variant has not been identified in the general population by the Genome Aggregation Database (gnomAD). The available evidence is insufficient to determine the role of this variant in disease conclusively. Therefore, this variant is classified as a Variant of Uncertain Significance.

This study involves interpretation of variants in research participants for the purpose of population health screening. Participant phenotype was not available at the time of variant classification. Additional details can be found in publication PMID: 35346344, PMCID: PMC8962531

Labcorp Genetics (formerly Invitae), Labcorp
Classification: Uncertain significance for Hypertrophic cardiomyopathy. Last evaluated: 2022-10-05. Review status: criteria provided, single submitter. Criteria: Invitae Variant Classification Sherloc (09022015). Collection method: clinical testing. Allele origin: germline.
Comment: This sequence change replaces methionine, which is neutral and non-polar, with lysine, which is basic and polar, at codon 1765 of the MYH7 protein (p.Met1765Lys). This variant is not present in population databases (gnomAD no frequency). This missense change has been observed in individual(s) with hypertrophic cardiomyopathy (PMID: 25351510). ClinVar contains an entry for this variant (Variation ID: 665927). Advanced modeling of protein sequence and biophysical properties (such as structural, functional, and spatial information, amino acid conservation, physicochemical variation, residue mobility, and thermodynamic stability) performed at Invitae indicates that this missense variant is expected to disrupt MYH7 protein function. In summary, the available evidence is currently insufficient to determine the role of this variant in disease. Therefore, it has been classified as a Variant of Uncertain Significance.

Literature cited by the submitters: PubMed 25351510 (cited by 5 submitters).